The following is an entry in ClinVar:

NM_003238.6(TGFB2):c.201del (p.Ile68fs)

Gene: TGFB2 (transforming growth factor beta 2; plus strand). Cytogenetic location: 1q41.
Variant type: Deletion.
Coding change: c.201del on transcript NM_003238.6 (MANE Select); coding-DNA position 201, one base deleted (G; older notation c.201delG).
Protein change: p.Ile68fs; shifts the reading frame from isoleucine 68.
Molecular consequence: frameshift variant. On other transcripts: non-coding transcript variant (2).
Genome position (GRCh38, 1-based): chr1:218,346,902, G deleted. VCF-style (leftmost placement, unchanged base first): chr1-218346901-TG-T. GRCh37 (hg19) VCF-style: chr1-218520243-TG-T.
Other names: c.201del, p.Ile68fs (NM_001135599.4); short protein forms I68fs.
Identifiers: ClinVar variation 3730467 (VCV003730467.2).

ClinVar aggregate classification (germline): Pathogenic (1 of 4 stars; one submission).

Conditions:
Loeys-Dietz syndrome 4 (LDS4). Also called: ANEURYSM, AORTIC AND CEREBRAL, WITH ARTERIAL TORTUOSITY AND SKELETAL MANIFESTATIONS; TGFB2-Related Loeys-Dietz Syndrome. Identifiers: MedGen C3553762, MONDO:0013897, OMIM 614816.

Submission:

Labcorp Genetics (formerly Invitae), Labcorp
Classification: Pathogenic for Loeys-Dietz syndrome 4. Last evaluated: 2024-09-11. Review status: criteria provided, single submitter. Criteria: Invitae Variant Classification Sherloc (09022015). Collection method: clinical testing. Allele origin: germline.
Comment: This sequence change creates a premature translational stop signal (p.Ile68Phefs*39) in the TGFB2 gene. It is expected to result in an absent or disrupted protein product. Loss-of-function variants in TGFB2 are known to be pathogenic (PMID: 22772368, 22772371, 30739908). This variant is not present in population databases (gnomAD no frequency). This variant has not been reported in the literature in individuals affected with TGFB2-related conditions. For these reasons, this variant has been classified as Pathogenic.

Literature cited by the submitters: PubMed 22772368; PubMed 22772371; PubMed 30739908.